The following is an entry in ClinVar:

ClinVar aggregate classification (germline): Uncertain significance (1 of 4 stars; one submission).

Conditions:
Hereditary cancer-predisposing syndrome. Also called: Neoplastic Syndromes, Hereditary; Tumor predisposition; Hereditary Cancer Syndrome; Hereditary neoplastic syndrome. Identifiers: Orphanet 140162, MedGen C0027672, MeSH D009386, MONDO:0015356.

Submission:

Ambry Genetics
Classification: Uncertain significance for Hereditary cancer-predisposing syndrome. Last evaluated: 2024-03-27. Review status: criteria provided, single submitter. Criteria: Ambry Variant Classification Scheme 2023. Collection method: clinical testing. Allele origin: germline.
Comment: The p.A258E variant (also known as c.773C>A), located in coding exon 5 of the CTNNA1 gene, results from a C to A substitution at nucleotide position 773. The alanine at codon 258 is replaced by glutamic acid, an amino acid with dissimilar properties. This amino acid position is conserved. In addition, this alteration is predicted to be deleterious by in silico analysis. Since supporting evidence is limited at this time, the clinical significance of this alteration remains unclear.

NM_001903.5(CTNNA1):c.773C>A (p.Ala258Glu)

Gene: CTNNA1 (catenin alpha 1; plus strand). Cytogenetic location: 5q31.2.
Variant type: single nucleotide variant.
Coding change: c.773C>A on transcript NM_001903.5 (MANE Select); coding-DNA position 773, C replaced by A.
Protein change: p.Ala258Glu; replaces alanine 258 with glutamic acid.
Molecular consequence: missense variant.
Genome position (GRCh38, 1-based): chr5:138,824,714, C>A. VCF-style: chr5-138824714-C-A. GRCh37 (hg19) VCF-style: chr5-138160403-C-A.
Other names: c.773C>A, p.Ala258Glu (NM_001290307.3, NM_001323982.2, NM_001323983.1 and 3 more transcripts); c.464C>A, p.Ala155Glu (NM_001290309.3); c.404C>A, p.Ala135Glu (NM_001290310.3); short protein forms A155E, A258E, A135E.
Identifiers: ClinVar variation 1760384 (VCV001760384.3), dbSNP rs2149776362, ClinGen allele CA361129976.